The following is an entry in ClinVar:

ClinVar aggregate classification (germline): Pathogenic (1 of 4 stars; one submission).

Conditions:
Deficiency of isobutyryl-CoA dehydrogenase. Also called: IBD DEFICIENCY; ACAD8 DEFICIENCY; ACYL-CoA DEHYDROGENASE FAMILY, MEMBER 8, DEFICIENCY OF. Identifiers: Orphanet 79159, MedGen C1969809, MONDO:0012648, OMIM 611283.

Allele frequency attached by ClinVar (database versions not stated): TOPMed 0.00002; gnomAD 0.00003.

Submission:

Labcorp Genetics (formerly Invitae), Labcorp
Classification: Pathogenic for Deficiency of isobutyryl-CoA dehydrogenase. Last evaluated: 2019-11-11. Review status: criteria provided, single submitter. Criteria: Invitae Variant Classification Sherloc (09022015). Collection method: clinical testing. Allele origin: germline.
Comment: This variant has not been reported in the literature in individuals with ACAD8-related conditions. ClinVar contains an entry for this variant (Variation ID: 632056). This variant is present in population databases (rs746960051, ExAC 0.003%). This sequence change creates a premature translational stop signal (p.Arg244*) in the ACAD8 gene. It is expected to result in an absent or disrupted protein product. Loss-of-function variants in ACAD8 are known to be pathogenic (PMID: 16857760). For these reasons, this variant has been classified as Pathogenic.

Literature cited by the submitters: PubMed 16857760.

NM_014384.3(ACAD8):c.730C>T (p.Arg244Ter)

Gene: ACAD8 (acyl-CoA dehydrogenase family member 8; plus strand). Cytogenetic location: 11q25.
Variant type: single nucleotide variant.
Coding change: c.730C>T on transcript NM_014384.3 (MANE Select); coding-DNA position 730, C replaced by T.
Protein change: p.Arg244Ter; replaces arginine 244 with a stop codon.
Molecular consequence: nonsense.
Genome position (GRCh38, 1-based): chr11:134,261,068, C>T. VCF-style: chr11-134261068-C-T. GRCh37 (hg19) VCF-style: chr11-134130962-C-T.
Other names: short protein forms R244*.
Identifiers: ClinVar variation 632056 (VCV000632056.12), dbSNP rs746960051, ClinGen allele CA6373069.